The following is an entry in ClinVar:

ClinVar aggregate classification (germline): Pathogenic. Review status: criteria provided, multiple submitters, no conflicts (2 of 4 stars). 3 submissions from 3 submitters: Pathogenic (3). Last evaluated 2025-05-13.

Conditions:
Duchenne muscular dystrophy (DMD). Also called: Duchenne Muscular Dystrophy (DMD); MUSCULAR DYSTROPHY, PSEUDOHYPERTROPHIC PROGRESSIVE, DUCHENNE TYPE. Identifiers: Orphanet 98896, MedGen C0013264, MONDO:0010679, OMIM 310200.
Becker muscular dystrophy, Cardiomyopathy, Duchenne muscular dystrophy, Dystrophin deficiency.

Submissions (3):

Natera, Inc.
Classification: Pathogenic for Becker muscular dystrophy, Cardiomyopathy, Duchenne muscular dystrophy, Dystrophin deficiency. Last evaluated: 2025-05-13. Review status: criteria provided, single submitter. Criteria: Natera Variant Classification Schema (03/2026). Collection method: clinical testing. Allele origin: germline.
Comment: The c.10224-1dup variant in DMD is a canonical splice acceptor site variant predicted to affect pre-mRNA splicing, which may result in an abnormal transcript and altered protein product. This variant is expected to result in nonsense mediated decay, truncation, or a dysfunctional protein product. This variant is rare in the general population with a frequency below the threshold expected for the associated phenotype(s). This variant has been observed in affected individual(s) with monoallelic occurrence (heterozygous/hemizygous) (PMID: 32559196). Given the available evidence, this variant is classified as Pathogenic.

Athena Diagnostics
Classification: Pathogenic. Last evaluated: 2024-11-14. Review status: criteria provided, single submitter. Criteria: Athena Diagnostics Criteria. Collection method: clinical testing. Allele origin: unknown.
Comment: This variant is expected to result in the loss of a functional protein. This variant has not been reported in large, multi-ethnic general populations. This variant has been identified in at least one individual with clinical features associated with DMD.

Mendelics
Classification: Pathogenic for Duchenne muscular dystrophy. Last evaluated: 2019-05-28. Review status: criteria provided, single submitter. Criteria: Mendelics Assertion Criteria 2017. Collection method: clinical testing. Allele origin: unknown.

Literature cited by the submitters: PubMed 32559196 (cited by Natera, Inc. and Athena Diagnostics).

NM_004006.3(DMD):c.10224-1dup

Gene: DMD (dystrophin; minus strand). Cytogenetic location: Xp21.2.
Variant type: Duplication.
Coding change: c.10224-1dup on transcript NM_004006.3 (MANE Select); the canonical splice acceptor site of the intron before coding-DNA position 10224, one base duplicated (G; older notation c.10224-1dupG).
Molecular consequence: splice acceptor variant. On other transcripts: intron variant (5).
Genome position (GRCh38, 1-based): chrX:31,177,971, C duplicated on the plus strand (G on the coding strand, the reverse complement: DMD is on the minus strand). VCF-style (leftmost placement, unchanged base first): chrX-31177970-A-AC. GRCh37 (hg19) VCF-style: chrX-31196087-A-AC.
Other names: c.10200-1dup (NM_000109.4); c.6201-1dup (NM_004011.4); c.6192-1dup (NM_004012.4); c.2843+698dup (NM_004023.3, NM_004020.4, NM_004022.3); c.2844-1dup (NM_004021.3, NM_004013.3); c.2037-1dup (NM_004014.3); c.1019+698dup (NM_004018.3, NM_004017.3); c.1020-1dup (NM_004016.3, NM_004015.3); and 3 more.
Identifiers: ClinVar variation 803788 (VCV000803788.4), dbSNP rs1602409174, ClinGen allele CA915950860.
Genomic context (GRCh38, chrX:31,177,970, plus strand): 5'-CTTCAGCAAAAAAAGTACTCACGCAGAATCTACTGGCCAGAAGTTGATCAGAGTAACGGG[A>AC]CTGCAAAACAAAAAATGAGGTGGTGAAGGAGACACACGCAAACTCAGCCGCAAAAAAATT-3'